The following is an entry in ClinVar:

NM_006922.4(SCN3A):c.5198C>G (p.Pro1733Arg)

Gene: SCN3A (sodium voltage-gated channel alpha subunit 3; minus strand). Cytogenetic location: 2q24.3.
Variant type: single nucleotide variant.
Coding change: c.5198C>G on transcript NM_006922.4 (MANE Select); coding-DNA position 5198, C replaced by G.
Protein change: p.Pro1733Arg; replaces proline 1733 with arginine.
Molecular consequence: missense variant.
Genome position (GRCh38, 1-based): chr2:165,090,955, G>C on the plus strand (C>G on the coding strand, the complement: SCN3A is on the minus strand). VCF-style: chr2-165090955-G-C. GRCh37 (hg19) VCF-style: chr2-165947465-G-C.
Other names: c.5051C>G, p.Pro1684Arg (NM_001081676.2, NM_001081677.2); c.5198C>G (NM_006922.3); short protein forms P1684R, P1733R.
Identifiers: ClinVar variation 1517869 (VCV001517869.9), dbSNP rs2105620247, ClinGen allele CA349016824.

ClinVar aggregate classification (germline): Uncertain significance. Review status: criteria provided, multiple submitters, no conflicts (2 of 4 stars). 2 submissions from 2 submitters: Uncertain significance (2). Last evaluated 2024-07-25.

Submissions (2):

Labcorp Genetics (formerly Invitae), Labcorp
Classification: Uncertain significance. Last evaluated: 2024-07-25. Review status: criteria provided, single submitter. Criteria: Invitae Variant Classification Sherloc (09022015). Collection method: clinical testing. Allele origin: germline.
Comment: This sequence change replaces proline, which is neutral and non-polar, with arginine, which is basic and polar, at codon 1733 of the SCN3A protein (p.Pro1733Arg). This variant is not present in population databases (gnomAD no frequency). This variant has not been reported in the literature in individuals affected with SCN3A-related conditions. ClinVar contains an entry for this variant (Variation ID: 1517869). Advanced modeling of protein sequence and biophysical properties (such as structural, functional, and spatial information, amino acid conservation, physicochemical variation, residue mobility, and thermodynamic stability) has been performed at Invitae for this missense variant, however the output from this modeling did not meet the statistical confidence thresholds required to predict the impact of this variant on SCN3A protein function. In summary, the available evidence is currently insufficient to determine the role of this variant in disease. Therefore, it has been classified as a Variant of Uncertain Significance.

GeneDx
Classification: Uncertain significance. Last evaluated: 2023-05-03. Review status: criteria provided, single submitter. Criteria: GeneDx Variant Classification Process June 2021. Collection method: clinical testing. Allele origin: germline. Affected: yes.
Comment: Not observed at significant frequency in large population cohorts (gnomAD); In silico analysis supports that this missense variant has a deleterious effect on protein structure/function; Has not been previously published as pathogenic or benign to our knowledge